The following is an entry in ClinVar:

ClinVar aggregate classification (germline): Uncertain significance (1 of 4 stars; one submission).

Conditions:
Severe combined immunodeficiency due to DNA-PKcs deficiency. Also called: IMMUNODEFICIENCY 26 WITH NEUROLOGIC ABNORMALITIES; Immunodeficiency 26 with or without neurologic abnormalities. Identifiers: Orphanet 317425, MedGen C4014833, MONDO:0014423, OMIM 615966.

Submission:

Labcorp Genetics (formerly Invitae), Labcorp
Classification: Uncertain significance for Severe combined immunodeficiency due to DNA-PKcs deficiency. Last evaluated: 2022-06-27. Review status: criteria provided, single submitter. Criteria: Invitae Variant Classification Sherloc (09022015). Collection method: clinical testing. Allele origin: germline.
Comment: This variant has not been reported in the literature in individuals affected with PRKDC-related conditions. In summary, the available evidence is currently insufficient to determine the role of this variant in disease. Therefore, it has been classified as a Variant of Uncertain Significance. Experimental studies and prediction algorithms are not available or were not evaluated, and the functional significance of this variant is currently unknown. This variant is not present in population databases (gnomAD no frequency). This sequence change replaces aspartic acid, which is acidic and polar, with asparagine, which is neutral and polar, at codon 2964 of the PRKDC protein (p.Asp2964Asn).

NM_006904.7(PRKDC):c.8890G>A (p.Asp2964Asn)

Gene: PRKDC (protein kinase, DNA-activated, catalytic subunit; minus strand). Cytogenetic location: 8q11.21.
Variant type: single nucleotide variant.
Coding change: c.8890G>A on transcript NM_006904.7 (MANE Select); coding-DNA position 8890, G replaced by A.
Protein change: p.Asp2964Asn; replaces aspartic acid 2964 with asparagine.
Molecular consequence: missense variant.
Genome position (GRCh38, 1-based): chr8:47,823,890, C>T on the plus strand (G>A on the coding strand, the complement: PRKDC is on the minus strand). VCF-style: chr8-47823890-C-T. GRCh37 (hg19) VCF-style: chr8-48736451-C-T.
Other names: c.8890G>A, p.Asp2964Asn (NM_001081640.2); short protein forms D2964N.
Identifiers: ClinVar variation 1476089 (VCV001476089.6), dbSNP rs2154499118, ClinGen allele CA371142327.